The following is an entry in ClinVar:

NM_018685.5(ANLN):c.18+3G>A

Genes: ANLN (anillin, actin binding protein; plus strand), MATCAP2 (microtubule associated tyrosine carboxypeptidase 2; minus strand). Cytogenetic location: 7p14.2.
Variant type: single nucleotide variant.
Coding change: c.18+3G>A on transcript NM_018685.5 (MANE Select); 3 bases into the intron after coding-DNA position 18, G replaced by A.
Molecular consequence: intron variant. On other transcripts: missense variant (1).
Genome position (GRCh38, 1-based): chr7:36,390,047, G>A. VCF-style: chr7-36390047-G-A. GRCh37 (hg19) VCF-style: chr7-36429656-G-A.
Other names: c.28C>T, p.His10Tyr (NM_001100425.2); c.18+3G>A (NM_001284301.3, NM_001284302.3); short protein forms H10Y.
Identifiers: ClinVar variation 1473279 (VCV001473279.6), dbSNP rs1305615894, ClinGen allele CA367200015.
Genomic context (GRCh38, chr7:36,390,047, plus strand): 5'-ACCACCGTTTCCATCGTCTCGTAGTCCGACGCCTGGGGCGATGGATCCGTTTACGGAGGT[G>A]AGTGAGTTTGCGGGTGCAGCCAGCCATGACCCACCGCTCTAGGCCCCCACCCACCTTCCT-3'

ClinVar aggregate classification (germline): Uncertain significance (1 of 4 stars; one submission).

Allele frequency attached by ClinVar (database versions not stated): gnomAD exomes below 0.00001.
gnomAD v4.1: 3 of 1,613,844 alleles (0.00019%); no homozygotes.

Submission:

Labcorp Genetics (formerly Invitae), Labcorp
Classification: Uncertain significance. Last evaluated: 2021-05-04. Review status: criteria provided, single submitter. Criteria: Invitae Variant Classification Sherloc (09022015). Collection method: clinical testing. Allele origin: germline.
Comment: Nucleotide substitutions within the consensus splice site are a relatively common cause of aberrant splicing (PMID: 17576681, 9536098). Algorithms developed to predict the effect of sequence changes on RNA splicing suggest that this variant is not likely to affect RNA splicing, but this prediction has not been confirmed by published transcriptional studies. In summary, the available evidence is currently insufficient to determine the role of this variant in disease. Therefore, it has been classified as a Variant of Uncertain Significance. This variant has not been reported in the literature in individuals with ANLN-related conditions. This sequence change falls in intron 1 of the ANLN gene. It does not directly change the encoded amino acid sequence of the ANLN protein. It affects a nucleotide within the consensus splice site of the intron. This variant is not present in population databases (ExAC no frequency).

Literature cited by the submitters: PubMed 17576681; PubMed 9536098.